The following is an entry in ClinVar:

ClinVar aggregate classification (germline): Conflicting classifications of pathogenicity. Review status: criteria provided, conflicting classifications (1 of 4 stars). 2 submissions from 2 submitters: Uncertain significance (1); Likely benign (1). Last evaluated 2025-06-01.

Conditions:
Inborn genetic diseases. Identifiers: MedGen C0950123, MeSH D030342.

Allele frequency attached by ClinVar (database versions not stated): gnomAD 0.00003; ExAC 0.00007.

Submissions (2):

CeGaT Center for Human Genetics Tuebingen
Classification: Uncertain significance. Last evaluated: 2025-06-01. Review status: criteria provided, single submitter. Criteria: CeGaT Center For Human Genetics Tuebingen Variant Classification Criteria Version 2. Collection method: clinical testing. Allele origin: germline. Affected: yes. Observed: 1 variant allele.
Comment: PKP1: PM2, BP4

Ambry Genetics
Classification: Likely benign for Inborn genetic diseases. Last evaluated: 2023-01-18. Review status: criteria provided, single submitter. Criteria: Ambry Variant Classification Scheme 2023. Collection method: clinical testing. Allele origin: germline.

NM_001005337.3(PKP1):c.1447G>A (p.Ala483Thr)

Gene: PKP1 (plakophilin 1; plus strand). Cytogenetic location: 1q32.1.
Variant type: single nucleotide variant.
Coding change: c.1447G>A on transcript NM_001005337.3 (MANE Select); coding-DNA position 1447, G replaced by A.
Protein change: p.Ala483Thr; replaces alanine 483 with threonine.
Molecular consequence: missense variant.
Genome position (GRCh38, 1-based): chr1:201,322,077, G>A. VCF-style: chr1-201322077-G-A. GRCh37 (hg19) VCF-style: chr1-201291205-G-A.
Other names: c.1510G>A, p.Ala504Thr (NM_000299.4); short protein forms A483T, A504T.
Identifiers: ClinVar variation 2476631 (VCV002476631.12), dbSNP rs752689001, ClinGen allele CA1324476.
Genomic context (GRCh38, chr1:201,322,077, plus strand): 5'-TACCGCCTGGACGCCGAGGTGCCCACCCGCTACCGCCAGCTGGAGTATAACGCCCGCAAC[G>A]CCTACACCGAGAAGTCCTCCACTGGCTGCTTCAGCAACAAGAGCGACAAGATGATGGTGA-3'
Protein context (NP_001005337.1, residues 473-493): YRQLEYNARN[Ala483Thr]YTEKSSTGCF